The following is an entry in ClinVar:

ClinVar aggregate classification (germline): Pathogenic/Likely pathogenic. Review status: criteria provided, multiple submitters, no conflicts (2 of 4 stars). 6 submissions from 6 submitters: Pathogenic (3); Likely pathogenic (1). 2 of the submissions do not count toward it. Last evaluated 2025-12-16.

Conditions:
FTL-related disorders.
FTL-related disorder. Also called: FTL-related condition.
Hereditary hyperferritinemia with congenital cataracts. Also called: Hereditary hyperferritinemia cataract syndrome; Bonneau-Beaumont syndrome; HYPERFERRITINEMIA WITH OR WITHOUT CATARACT. Identifiers: Orphanet 163, MedGen C1833213, MONDO:0010952, OMIM 600886.
Neuroferritinopathy (NBIA3). Also called: NEURODEGENERATION WITH BRAIN IRON ACCUMULATION 3; BASAL GANGLIA DISEASE, ADULT-ONSET. Identifiers: Orphanet 157846, MedGen C1853578, MONDO:0011638, OMIM 606159.

Submissions (6):

Labcorp Genetics (formerly Invitae), Labcorp
Classification: Pathogenic for Neuroferritinopathy; Hereditary hyperferritinemia with congenital cataracts. Last evaluated: 2025-12-16. Review status: criteria provided, single submitter. Criteria: Invitae Variant Classification Sherloc (09022015). Collection method: clinical testing. Allele origin: germline.
Comment: This variant occurs in a non-coding region of the FTL gene. It does not change the encoded amino acid sequence of the FTL protein. This variant is not present in population databases (gnomAD no frequency). This variant has been observed in individuals with hyperferritinemia-cataract syndrome (PMID: 12200611, 14662596, 21541272). It has also been observed to segregate with disease in related individuals. This variant is also known as 32G>C or G32C. ClinVar contains an entry for this variant (Variation ID: 16485). For these reasons, this variant has been classified as Pathogenic.

Centre of Medical Genetics, University Hospital Muenster
Classification: Pathogenic. Last evaluated: 2025-04-22. Review status: criteria provided, single submitter. Criteria: ACMG Guidelines, 2015. Collection method: clinical testing. Allele origin: unknown. Affected: yes. Observed: 1 variant allele, 1 heterozygote.
Comment: ACMG categories: PS4,PM1,PM2,PP1_strong,BP4

GeneDx
Classification: Likely pathogenic. Last evaluated: 2024-03-12. Review status: criteria provided, single submitter. Criteria: GeneDx Variant Classification Process June 2021. Collection method: clinical testing. Allele origin: germline. Affected: yes.
Comment: No data available from control populations to assess the frequency of this variant; This variant is associated with the following publications: (PMID: 14662596, 29426274, 21936912, 21541272, 12200611, 33221470, 23421845, 37745687, Collantes2023[abstract])

Blueprint Genetics
Classification: Pathogenic for FTL-related disorders. Last evaluated: 2021-09-25. Review status: criteria provided, single submitter. Criteria: ACMG Guidelines, 2015. Collection method: clinical testing. Allele origin: germline. Affected: yes. Observed: 5 variant alleles.

PreventionGenetics, part of Exact Sciences
Classification: Pathogenic for FTL-related condition. Last evaluated: 2024-05-30. Review status: no assertion criteria provided. Collection method: clinical testing. Allele origin: germline. Not counted in ClinVar's aggregate classification.
Comment: The FTL c.-168G>C variant is located in the 5' untranslated region. This variant is alternatively referred to as 32G>C, G32C, or Baltimore-1 in the literature. It has been reported in many individuals with hyperferritinemia-cataract syndrome and shown to segregate with disease in multiple families (see, for example, Campagnoli et al 2002. PubMed ID: 12200611; Craig et al 2003. PubMed ID: 14662596; Ferro et al. 2018. PubMed ID: 29426274). This variant occurs within a highly conserved non-coding region known as the iron regulatory element, and other variants within this region, including additional variants at this position (c.-168G>A, c.-168G>T), have also been found in patients with FTL-related disorders (Cazzola et al.1997. PubMed ID: 9226182; Martin et al. 1998. PubMed ID: 9414300). This variant has not been reported in a large population database, indicating it is rare. This variant is interpreted as pathogenic.

OMIM
Classification: Pathogenic for HYPERFERRITINEMIA WITH OR WITHOUT CATARACT. Last evaluated: 2013-02-19. Review status: no assertion criteria provided. Collection method: literature only. Allele origin: germline. Not counted in ClinVar's aggregate classification.

Literature cited by the submitters: PubMed 12200611 (cited by Labcorp Genetics (formerly Invitae), Labcorp and OMIM); PubMed 14662596 (cited by Labcorp Genetics (formerly Invitae), Labcorp); PubMed 21541272 (cited by Labcorp Genetics (formerly Invitae), Labcorp); PubMed 23421845 (cited by OMIM).

NM_000146.4(FTL):c.-168G>C

Gene: FTL (ferritin light chain; plus strand). Cytogenetic location: 19q13.33.
Variant type: single nucleotide variant.
Coding change: c.-168G>C on transcript NM_000146.4 (MANE Select); 168 bases upstream of the start codon, G replaced by C.
Molecular consequence: 5 prime UTR variant.
Genome position (GRCh38, 1-based): chr19:48,965,340, G>C. VCF-style: chr19-48965340-G-C. GRCh37 (hg19) VCF-style: chr19-49468597-G-C.
Other names: -168G-C.
Identifiers: ClinVar variation 16485 (VCV000016485.10), dbSNP rs398124635, ClinGen allele CA126559.